The following is an entry in ClinVar:

NM_018191.4(RCBTB1):c.875G>A (p.Cys292Tyr)

Gene: RCBTB1 (RCC1 and BTB domain containing protein 1; minus strand). Cytogenetic location: 13q14.2.
Variant type: single nucleotide variant.
Coding change: c.875G>A on transcript NM_018191.4 (MANE Select); coding-DNA position 875, G replaced by A.
Protein change: p.Cys292Tyr; replaces cysteine 292 with tyrosine.
Molecular consequence: missense variant. On other transcripts: non-coding transcript variant (2).
Genome position (GRCh38, 1-based): chr13:49,549,628, C>T on the plus strand (G>A on the coding strand, the complement: RCBTB1 is on the minus strand). VCF-style: chr13-49549628-C-T. GRCh37 (hg19) VCF-style: chr13-50123764-C-T.
Other names: c.875G>A (NM_018191.3); c.875G>A, p.Cys292Tyr (NM_001352500.2, NM_001352501.2, NM_001352502.2 and 3 more transcripts); c.296G>A, p.Cys99Tyr (NM_001352506.2); short protein forms C292Y, C99Y.
Identifiers: ClinVar variation 1464502 (VCV001464502.7), dbSNP rs1334391189, ClinGen allele CA388189986.

ClinVar aggregate classification (germline): Uncertain significance. Review status: criteria provided, multiple submitters, no conflicts (2 of 4 stars). 3 submissions from 3 submitters: Uncertain significance (3). Last evaluated 2023-01-27.

Allele frequency attached by ClinVar (database versions not stated): gnomAD exomes below 0.00001.
gnomAD v4.1: 6 of 1,611,820 alleles (0.00037%); highest among the groups gnomAD compares: Non-Finnish European, 0.00051%; no homozygotes.

Submissions (3):

Blueprint Genetics
Classification: Uncertain significance. Last evaluated: 2023-01-27. Review status: criteria provided, single submitter. Criteria: ACMG Guidelines, 2015. Collection method: clinical testing. Allele origin: germline.

Ambry Genetics
Classification: Uncertain significance. Last evaluated: 2022-12-01. Review status: criteria provided, single submitter. Criteria: Ambry Variant Classification Scheme 2023. Collection method: clinical testing. Allele origin: germline.

Labcorp Genetics (formerly Invitae), Labcorp
Classification: Uncertain significance. Last evaluated: 2022-03-10. Review status: criteria provided, single submitter. Criteria: Invitae Variant Classification Sherloc (09022015). Collection method: clinical testing. Allele origin: germline.
Comment: This sequence change replaces cysteine, which is neutral and slightly polar, with tyrosine, which is neutral and polar, at codon 292 of the RCBTB1 protein (p.Cys292Tyr). This variant is present in population databases (no rsID available, gnomAD 0.0009%). This variant has not been reported in the literature in individuals affected with RCBTB1-related conditions. Algorithms developed to predict the effect of missense changes on protein structure and function are either unavailable or do not agree on the potential impact of this missense change (SIFT: "Deleterious"; PolyPhen-2: "Benign"; Align-GVGD: "Class C65"). In summary, the available evidence is currently insufficient to determine the role of this variant in disease. Therefore, it has been classified as a Variant of Uncertain Significance.